The following is an entry in ClinVar:

ClinVar aggregate classification (germline): Uncertain significance (1 of 4 stars; one submission).

Conditions:
Hereditary cancer-predisposing syndrome. Also called: Tumor predisposition; Neoplastic Syndromes, Hereditary; Hereditary Cancer Syndrome; Hereditary neoplastic syndrome. Identifiers: Orphanet 140162, MedGen C0027672, MeSH D009386, MONDO:0015356.

Submission:

Ambry Genetics
Classification: Uncertain significance for Hereditary cancer-predisposing syndrome. Last evaluated: 2025-02-21. Review status: criteria provided, single submitter. Criteria: Ambry Variant Classification Scheme 2023. Collection method: clinical testing. Allele origin: germline.
Comment: The p.V284D variant (also known as c.851T>A), located in coding exon 8 of the MRE11A gene, results from a T to A substitution at nucleotide position 851. The valine at codon 284 is replaced by aspartic acid, an amino acid with highly dissimilar properties. This amino acid position is conserved. In addition, this alteration is predicted to be deleterious by in silico analysis. Based on the available evidence, the clinical significance of this variant remains unclear.

NM_005591.4(MRE11):c.851T>A (p.Val284Asp)

Gene: MRE11 (MRE11 double strand break repair nuclease; minus strand). Cytogenetic location: 11q21.
Variant type: single nucleotide variant.
Coding change: c.851T>A on transcript NM_005591.4 (MANE Select); coding-DNA position 851, T replaced by A.
Protein change: p.Val284Asp; replaces valine 284 with aspartic acid.
Molecular consequence: missense variant.
Genome position (GRCh38, 1-based): chr11:94,470,637, A>T on the plus strand (T>A on the coding strand, the complement: MRE11 is on the minus strand). VCF-style: chr11-94470637-A-T. GRCh37 (hg19) VCF-style: chr11-94203803-A-T.
Other names: c.851T>A, p.Val284Asp (NM_001330347.2, NM_005590.4); short protein forms V284D.
Identifiers: ClinVar variation 3874342 (VCV003874342.1).